The following is an entry in ClinVar:

ClinVar aggregate classification (germline): Uncertain significance (1 of 4 stars; one submission).

Submission:

Labcorp Genetics (formerly Invitae), Labcorp
Classification: Uncertain significance. Last evaluated: 2024-11-11. Review status: criteria provided, single submitter. Criteria: Invitae Variant Classification Sherloc (09022015). Collection method: clinical testing. Allele origin: germline.
Comment: This sequence change replaces tryptophan, which is neutral and slightly polar, with leucine, which is neutral and non-polar, at codon 67 of the HIKESHI protein (p.Trp67Leu). This variant is not present in population databases (gnomAD no frequency). This variant has not been reported in the literature in individuals affected with HIKESHI-related conditions. ClinVar contains an entry for this variant (Variation ID: 1438435). An algorithm developed to predict the effect of missense changes on protein structure and function (PolyPhen-2) suggests that this variant is likely to be disruptive. In summary, the available evidence is currently insufficient to determine the role of this variant in disease. Therefore, it has been classified as a Variant of Uncertain Significance.

NM_016401.4(HIKESHI):c.200G>T (p.Trp67Leu)

Gene: HIKESHI (heat shock protein nuclear import factor hikeshi; plus strand). Cytogenetic location: 11q14.2.
Variant type: single nucleotide variant.
Coding change: c.200G>T on transcript NM_016401.4 (MANE Select); coding-DNA position 200, G replaced by T.
Protein change: p.Trp67Leu; replaces tryptophan 67 with leucine.
Molecular consequence: missense variant. On other transcripts: non-coding transcript variant (1).
Genome position (GRCh38, 1-based): chr11:86,306,414, G>T. VCF-style: chr11-86306414-G-T. GRCh37 (hg19) VCF-style: chr11-86017456-G-T.
Other names: c.200G>T, p.Trp67Leu (NM_001322404.2); c.83G>T, p.Trp28Leu (NM_001322407.2, NM_001322409.2); short protein forms W67L, W28L.
Identifiers: ClinVar variation 1438435 (VCV001438435.6), dbSNP rs1381591405, ClinGen allele CA382017605.
Genomic context (GRCh38, chr11:86,306,414, plus strand): 5'-CTGAGGGAATGGGAGGATCTGTCTACTTTTCTTATCCTGATTCAAATGGAATGCCAGTAT[G>T]GCAACTCCTAGGATTTGTCACGAATGGGAAGCCAAGTGCCATCTTCAAAATTTCAGGTCT-3'
Protein context (NP_057485.2, residues 57-77): SYPDSNGMPV[Trp67Leu]QLLGFVTNGK